The following is an entry in ClinVar:

ClinVar aggregate classification (germline): Likely pathogenic (1 of 4 stars; one submission).

Submission:

GeneDx
Classification: Likely pathogenic. Last evaluated: 2025-05-15. Review status: criteria provided, single submitter. Criteria: GeneDx Variant Classification Process June 2021. Collection method: clinical testing. Allele origin: germline. Affected: yes.
Comment: Frameshift variant predicted to result in protein truncation or nonsense mediated decay in a gene for which loss of function is a known mechanism of disease; Not observed at significant frequency in large population cohorts (gnomAD); Has not been previously published as pathogenic or benign to our knowledge

NM_001393769.1(MED12L):c.2394_2395del (p.Val800fs)

Genes: P2RY12 (purinergic receptor P2Y12; minus strand), MED12L (mediator complex subunit 12L; plus strand). Cytogenetic location: 3q25.1.
Variant type: Deletion.
Coding change: c.2394_2395del on transcript NM_001393769.1 (MANE Select); coding-DNA positions 2394 to 2395, 2 bases deleted (AG; older notation c.2394_2395delAG).
Protein change: p.Val800fs; shifts the reading frame from valine 800.
Molecular consequence: frameshift variant. On other transcripts: intron variant (1).
Genome position (GRCh38, 1-based): chr3:151,350,202-151,350,203, AG deleted. VCF-style (leftmost placement, unchanged base first): chr3-151350201-CAG-C. GRCh37 (hg19) VCF-style: chr3-151067989-CAG-C.
Other names: c.2289_2290del, p.Val765fs (NM_053002.6); c.-179-9443_-179-9442del (NM_022788.5); short protein forms V765fs, V800fs.
Identifiers: ClinVar variation 4529923 (VCV004529923.1).